The following is an entry in ClinVar:

NM_001374736.1(DST):c.177C>G (p.Ser59Arg)

Gene: DST (dystonin; minus strand). Cytogenetic location: 6p12.1.
Variant type: single nucleotide variant.
Coding change: c.177C>G on transcript NM_001374736.1 (MANE Select); coding-DNA position 177, C replaced by G.
Protein change: p.Ser59Arg; replaces serine 59 with arginine.
Molecular consequence: missense variant.
Genome position (GRCh38, 1-based): chr6:56,954,411, G>C on the plus strand (C>G on the coding strand, the complement: DST is on the minus strand). VCF-style: chr6-56954411-G-C. GRCh37 (hg19) VCF-style: chr6-56819209-G-C.
Other names: p.Ser59Arg; c.177C>G, p.Ser59Arg (NM_001144769.5, NM_001374722.1, NM_001374734.1); short protein forms S59R.
Identifiers: ClinVar variation 3379695 (VCV003379695.1).
Genomic context (GRCh38, chr6:56,954,411, plus strand): 5'-CAAATCGGCTTAATTGTTCCTGGTAGCCCGCAGAAACCCGTCGCGGCGTGTCTTACCTCG[G>C]CTTCTTGAACGACCCGAGAAGACCGATTTCATCGGATGCCTCCCTTTCTGGAGCTTGCGG-3'
Protein context (NP_001361665.1, residues 49-69): MKSVFSGRSR[Ser59Arg]RDAVLRSHHF

ClinVar aggregate classification (germline): Uncertain significance (1 of 4 stars; one submission).

gnomAD v4.1: 5 of 1,366,714 alleles (0.00037%); highest among the groups gnomAD compares: Admixed American, 0.0095%; no homozygotes.

Submission:

Mayo Clinic Laboratories, Mayo Clinic
Classification: Uncertain significance. Last evaluated: 2024-04-02. Review status: criteria provided, single submitter. Criteria: ACMG Guidelines, 2015. Collection method: clinical testing. Allele origin: germline. Observed: 1 variant allele.
Comment: PM2_moderate